The following is an entry in ClinVar:

ClinVar aggregate classification (germline): Uncertain significance. Review status: criteria provided, multiple submitters, no conflicts (2 of 4 stars). 3 submissions from 3 submitters: Uncertain significance (3). Last evaluated 2025-03-26.

Conditions:
Dilated cardiomyopathy 1G (CMD1G). Identifiers: Orphanet 154, MedGen C1858763, MONDO:0011400, OMIM 604145.
Hypertrophic cardiomyopathy 9. Also called: Familial hypertrophic cardiomyopathy 9. Identifiers: MedGen C1861065, MONDO:0013412, OMIM 613765.
Early-onset myopathy with fatal cardiomyopathy (CMYO5). Also called: Salih Myopathy; CONGENITAL MYOPATHY 5 WITH CARDIOMYOPATHY. Identifiers: Orphanet 289377, MedGen C2673677, MONDO:0012714, OMIM 611705. Disease mechanism: loss of function.
Tibial muscular dystrophy (TMD). Also called: UDD MYOPATHY; Tibial muscular dystrophy, tardive; Udd Distal Myopathy – Tibial Muscular Dystrophy. Identifiers: Orphanet 609, MedGen C1838244, MONDO:0010870, OMIM 600334.
Autosomal recessive limb-girdle muscular dystrophy type 2J (LGMDR10). Also called: Limb-girdle muscular dystrophy, type 2J; MUSCULAR DYSTROPHY, LIMB-GIRDLE, AUTOSOMAL RECESSIVE 10. Identifiers: Orphanet 140922, MedGen C1837342, MONDO:0012127, OMIM 608807.
Myopathy, myofibrillar, 9, with early respiratory failure (MFM9). Also called: Hereditary myopathy with early respiratory failure; EDSTROM MYOPATHY; MYOPATHY, PROXIMAL, WITH EARLY RESPIRATORY MUSCLE INVOLVEMENT; Myopathy, distal, with early respiratory failure, autosomal dominant. Identifiers: Orphanet 178464, Orphanet 34521, MedGen C1863599, MONDO:0011362, OMIM 603689.
TTN-related disorder. Also called: TTN-related disorders; TTN-related condition; TTN-related disease.

Allele frequency attached by ClinVar (database versions not stated): gnomAD exomes 0.00001 and 0.00006; ExAC 0.00002; gnomAD 0.00002; TOPMed 0.00002.
gnomAD v4.1: 82 of 1,613,630 alleles (0.0051%); highest among the groups gnomAD compares: Non-Finnish European, 0.0068%; no homozygotes.

Submissions (3):

PreventionGenetics, part of Exact Sciences
Classification: Uncertain significance for TTN-related condition. Last evaluated: 2025-03-26. Review status: criteria provided, single submitter. Criteria: ACMG Guidelines, 2015. Collection method: clinical testing. Allele origin: germline.
Comment: The TTN c.27724G>T variant is predicted to result in the amino acid substitution p.Asp9242Tyr. To our knowledge, this variant has not been reported in the literature. This variant is reported in 0.0027% of alleles in individuals of European (Non-Finnish) descent in gnomAD. At this time, the clinical significance of this variant is uncertain due to the absence of conclusive functional and genetic evidence.

Fulgent Genetics
Classification: Uncertain significance for Tibial muscular dystrophy; Myopathy, myofibrillar, 9, with early respiratory failure; Dilated cardiomyopathy 1G; Autosomal recessive limb-girdle muscular dystrophy type 2J; Early-onset myopathy with fatal cardiomyopathy; Hypertrophic cardiomyopathy 9. Last evaluated: 2021-07-05. Review status: criteria provided, single submitter. Criteria: ACMG Guidelines, 2015. Collection method: clinical testing. Allele origin: unknown.

GeneDx
Classification: Uncertain significance. Last evaluated: 2020-07-08. Review status: criteria provided, single submitter. Criteria: GeneDx Variant Classification Process June 2021. Collection method: clinical testing. Allele origin: germline. Affected: yes.
Comment: Not observed at a significant frequency in large population cohorts (Lek et al., 2016); Missense variant in a gene in which most reported pathogenic variants are truncating/loss-of-function; Has not been previously published as pathogenic or benign to our knowledge

NM_001267550.2(TTN):c.27724G>T (p.Asp9242Tyr)

Gene: TTN (titin; minus strand). Cytogenetic location: 2q31.2.
Variant type: single nucleotide variant.
Coding change: c.27724G>T on transcript NM_001267550.2 (MANE Select); coding-DNA position 27724, G replaced by T.
Protein change: p.Asp9242Tyr; replaces aspartic acid 9242 with tyrosine.
Molecular consequence: missense variant. On other transcripts: intron variant (3).
Genome position (GRCh38, 1-based): chr2:178,712,106, C>A on the plus strand (G>T on the coding strand, the complement: TTN is on the minus strand). VCF-style: chr2-178712106-C-A. GRCh37 (hg19) VCF-style: chr2-179576833-C-A.
Other names: c.26773G>T, p.Asp8925Tyr (NM_001256850.1); c.23992G>T, p.Asp7998Tyr (NM_133378.4); c.13282+25976G>T (NM_003319.4); c.13858+25976G>T (NM_133437.4); c.13657+25976G>T (NM_133432.3); short protein forms D7998Y, D8925Y, D9242Y.
Identifiers: ClinVar variation 1312921 (VCV001312921.4), dbSNP rs746470885, ClinGen allele CA1999736.
Genomic context (GRCh38, chr2:178,712,106, plus strand): 5'-GTGTAGCAACATTATTCCTAAAATGCATTTTGTAAGTCGTAGTGGGTCTCAATTTTGTAT[C>A]TCCTTTATACCAGGATACCCCAATTTCAGGGGTTCCAGCAAGCTGGCATTGTAGAGAGGC-3'
Protein context (NP_001254479.2, residues 9232-9252): PEIGVSWYKG[Asp9242Tyr]TKLRPTTTYK